The following is an entry in ClinVar:

ClinVar aggregate classification (germline): Uncertain significance (1 of 4 stars; one submission).

Submission:

Laboratorio de Genetica e Diagnostico Molecular, Hospital Israelita Albert Einstein
Classification: Uncertain significance. Last evaluated: 2020-06-01. Review status: criteria provided, single submitter. Criteria: ACMG Guidelines, 2015. Collection method: clinical testing. Allele origin: germline. Affected: yes.
Comment: ACMG classification criteria: PM2, BP4

NM_014423.4(AFF4):c.2645C>T (p.Ala882Val)

Gene: AFF4 (ALF transcription elongation factor 4; minus strand). Cytogenetic location: 5q31.1.
Variant type: single nucleotide variant.
Coding change: c.2645C>T on transcript NM_014423.4 (MANE Select); coding-DNA position 2645, C replaced by T.
Protein change: p.Ala882Val; replaces alanine 882 with valine.
Molecular consequence: missense variant.
Genome position (GRCh38, 1-based): chr5:132,889,166, G>A on the plus strand (C>T on the coding strand, the complement: AFF4 is on the minus strand). VCF-style: chr5-132889166-G-A. GRCh37 (hg19) VCF-style: chr5-132224858-G-A.
Other names: short protein forms A882V.
Identifiers: ClinVar variation 1690889 (VCV001690889.2), dbSNP rs2150067522, ClinGen allele CA360971328.